The following is an entry in ClinVar:

NM_001395413.1(POR):c.1270C>T (p.Arg424Trp)

Gene: POR (cytochrome p450 oxidoreductase; plus strand). Cytogenetic location: 7q11.23.
Variant type: single nucleotide variant.
Coding change: c.1270C>T on transcript NM_001395413.1 (MANE Select); coding-DNA position 1270, C replaced by T.
Protein change: p.Arg424Trp; replaces arginine 424 with tryptophan.
Molecular consequence: missense variant. On other transcripts: intron variant (1).
Genome position (GRCh38, 1-based): chr7:75,985,088, C>T. VCF-style: chr7-75985088-C-T. GRCh37 (hg19) VCF-style: chr7-75614406-C-T.
Other names: c.1270C>T, p.Arg424Trp (NM_001367562.3, NM_001382657.2, NM_001382658.3 and 1 more transcripts); c.1324C>T, p.Arg442Trp (NM_001382655.3); c.1239+130C>T (NM_001382662.3); short protein forms R424W, R442W.
Identifiers: ClinVar variation 498480 (VCV000498480.7), dbSNP rs782197760, ClinGen allele CA4304079.
Genomic context (GRCh38, chr7:75,985,088, plus strand): 5'-TCAGCCCCATCTCACCCCCGTGTCTCTTAGGAGCTGTACCTGAGCTGGGTGGTGGAGGCC[C>T]GGAGGCACATCCTGGCCATCCTGCAGGACTGCCCGTCCCTGCGGCCCCCCATCGACCACC-3'
Protein context (NP_001382342.1, residues 414-434): ELYLSWVVEA[Arg424Trp]RHILAILQDC

ClinVar aggregate classification (germline): Uncertain significance. Review status: criteria provided, multiple submitters, no conflicts (2 of 4 stars). 2 submissions from 2 submitters: Uncertain significance (2). Last evaluated 2022-08-20.

Conditions:
Congenital adrenal hyperplasia due to cytochrome P450 oxidoreductase deficiency. Also called: DISORDERED STEROIDOGENESIS DUE TO POR DEFICIENCY. Identifiers: Orphanet 95699, MedGen C1860042, MONDO:0013310, OMIM 613571.

Allele frequency attached by ClinVar (database versions not stated): ExAC 0.00002; gnomAD exomes 0.00002; TOPMed 0.00002; gnomAD 0.00003.
gnomAD v4.1: 13 of 1,599,686 alleles (0.00081%); highest among the groups gnomAD compares: East Asian, 0.0067%; no homozygotes.

Submissions (2):

Labcorp Genetics (formerly Invitae), Labcorp
Classification: Uncertain significance for Congenital adrenal hyperplasia due to cytochrome P450 oxidoreductase deficiency. Last evaluated: 2022-08-20. Review status: criteria provided, single submitter. Criteria: Invitae Variant Classification Sherloc (09022015). Collection method: clinical testing. Allele origin: germline.
Comment: This sequence change replaces arginine, which is basic and polar, with tryptophan, which is neutral and slightly polar, at codon 427 of the POR protein (p.Arg427Trp). This variant is present in population databases (rs782197760, gnomAD 0.01%). This variant has not been reported in the literature in individuals affected with POR-related conditions. ClinVar contains an entry for this variant (Variation ID: 498480). Algorithms developed to predict the effect of missense changes on protein structure and function are either unavailable or do not agree on the potential impact of this missense change (SIFT: "Tolerated"; PolyPhen-2: "Possibly Damaging"; Align-GVGD: "Class C0"). In summary, the available evidence is currently insufficient to determine the role of this variant in disease. Therefore, it has been classified as a Variant of Uncertain Significance.

Eurofins Ntd Llc (ga)
Classification: Uncertain significance. Last evaluated: 2016-12-13. Review status: criteria provided, single submitter. Criteria: EGL Classification Definitions 2015. Collection method: clinical testing. Allele origin: germline. Observed: 1 variant allele, 1 heterozygote.